The following is an entry in ClinVar:

ClinVar aggregate classification (germline): Uncertain significance (1 of 4 stars; one submission).

Conditions:
Inborn genetic diseases. Identifiers: MedGen C0950123, MeSH D030342.

gnomAD v4.1: 2 of 1,613,918 alleles (0.00012%); highest among the groups gnomAD compares: Non-Finnish European, 0.00017%; no homozygotes.

Submission:

Ambry Genetics
Classification: Uncertain significance for Inborn genetic diseases. Last evaluated: 2025-05-05. Review status: criteria provided, single submitter. Criteria: Ambry Variant Classification Scheme 2023. Collection method: clinical testing. Allele origin: germline.
Comment: The p.R992G variant (also known as c.2974A>G), located in coding exon 14 of the FANCM gene, results from an A to G substitution at nucleotide position 2974. The arginine at codon 992 is replaced by glycine, an amino acid with dissimilar properties. This amino acid position is conserved. In addition, this alteration is predicted to be tolerated by in silico analysis. Based on the available evidence, the clinical significance of this variant remains unclear.

NM_020937.4(FANCM):c.2974A>G (p.Arg992Gly)

Gene: FANCM (FA complementation group M; plus strand). Cytogenetic location: 14q21.2.
Variant type: single nucleotide variant.
Coding change: c.2974A>G on transcript NM_020937.4 (MANE Select); coding-DNA position 2974, A replaced by G.
Protein change: p.Arg992Gly; replaces arginine 992 with glycine.
Molecular consequence: missense variant.
Genome position (GRCh38, 1-based): chr14:45,175,728, A>G. VCF-style: chr14-45175728-A-G. GRCh37 (hg19) VCF-style: chr14-45644931-A-G.
Other names: c.2896A>G, p.Arg966Gly (NM_001308133.2); short protein forms R966G, R992G.
Identifiers: ClinVar variation 4022751 (VCV004022751.1).